The following is an entry in ClinVar:

NM_201596.3(CACNB2):c.1903T>C (p.Cys635Arg)

Gene: CACNB2 (calcium voltage-gated channel auxiliary subunit beta 2; plus strand). Cytogenetic location: 10p12.31.
Variant type: single nucleotide variant.
Coding change: c.1903T>C on transcript NM_201596.3 (MANE Select); coding-DNA position 1903, T replaced by C.
Protein change: p.Cys635Arg; replaces cysteine 635 with arginine.
Molecular consequence: missense variant.
Genome position (GRCh38, 1-based): chr10:18,539,644, T>C. VCF-style: chr10-18539644-T-C. GRCh37 (hg19) VCF-style: chr10-18828573-T-C.
Other names: c.1738T>C, p.Cys580Arg (NM_000724.4); c.1705T>C, p.Cys569Arg (NM_001167945.2); c.1624T>C, p.Cys542Arg (NM_001330060.2); c.1759T>C, p.Cys587Arg (NM_201570.3); c.1819T>C, p.Cys607Arg (NM_201571.4); c.1747T>C, p.Cys583Arg (NM_201572.4); c.1741T>C, p.Cys581Arg (NM_201590.3); c.1789T>C, p.Cys597Arg (NM_201593.3); and 1 more; short protein forms C542R, C569R, C580R, C581R, C583R, C587R, C597R, C607R.
Identifiers: ClinVar variation 1001169 (VCV001001169.8), dbSNP rs1443093872, ClinGen allele CA376072785.

ClinVar aggregate classification (germline): Uncertain significance (1 of 4 stars; one submission).

Conditions:
Brugada syndrome 4 (BRGDA4). Identifiers: Orphanet 130, MedGen C2678477, MONDO:0012743, OMIM 611876.

gnomAD v4.1: 1 of 1,613,260 alleles (0.000062%); highest among the groups gnomAD compares: Non-Finnish European, 0.000085%; no homozygotes.

Submission:

Labcorp Genetics (formerly Invitae), Labcorp
Classification: Uncertain significance for Brugada syndrome 4. Last evaluated: 2020-03-11. Review status: criteria provided, single submitter. Criteria: Invitae Variant Classification Sherloc (09022015). Collection method: clinical testing. Allele origin: germline.
Comment: This sequence change replaces cysteine with arginine at codon 581 of the CACNB2 protein (p.Cys581Arg). The cysteine residue is moderately conserved and there is a large physicochemical difference between cysteine and arginine. This variant is not present in population databases (ExAC no frequency). This variant has not been reported in the literature in individuals with CACNB2-related conditions. Algorithms developed to predict the effect of missense changes on protein structure and function (SIFT, PolyPhen-2, Align-GVGD) all suggest that this variant is likely to be tolerated, but these predictions have not been confirmed by published functional studies and their clinical significance is uncertain. In summary, the available evidence is currently insufficient to determine the role of this variant in disease. Therefore, it has been classified as a Variant of Uncertain Significance.